The following is an entry in ClinVar:

NM_198282.4(STING1):c.301C>A (p.Leu101Met)

Genes: STING1 (stimulator of interferon response cGAMP interactor 1; minus strand), LOC123522803 (Sharpr-MPRA regulatory region 11914; plus strand). Cytogenetic location: 5q31.2.
Variant type: single nucleotide variant.
Coding change: c.301C>A on transcript NM_198282.4 (MANE Select); coding-DNA position 301, C replaced by A.
Protein change: p.Leu101Met; replaces leucine 101 with methionine.
Molecular consequence: missense variant. On other transcripts: 5 prime UTR variant (1).
Genome position (GRCh38, 1-based): chr5:139,481,269, G>T on the plus strand (C>A on the coding strand, the complement: STING1 is on the minus strand). VCF-style: chr5-139481269-G-T. GRCh37 (hg19) VCF-style: chr5-138860854-G-T.
Other names: c.301C>A, p.Leu101Met (NM_001301738.2); c.-57C>A (NM_001367258.1); short protein forms L101M.
Identifiers: ClinVar variation 4706103 (VCV004706103.1).

ClinVar aggregate classification (germline): Uncertain significance (1 of 4 stars; one submission).

Conditions:
STING-associated vasculopathy with onset in infancy. Also called: Sting-associated vasculopathy, infantile-onset. Identifiers: Orphanet 425120, MedGen C4014722, MONDO:0014405, OMIM 615934.

Submission:

Labcorp Genetics (formerly Invitae), Labcorp
Classification: Uncertain significance for STING-associated vasculopathy with onset in infancy. Last evaluated: 2026-02-01. Review status: criteria provided, single submitter. Criteria: Invitae Variant Classification Sherloc (09022015). Collection method: clinical testing. Allele origin: germline.
Comment: This sequence change replaces leucine, which is neutral and non-polar, with methionine, which is neutral and non-polar, at codon 101 of the TMEM173 protein (p.Leu101Met). This variant is not present in population databases (gnomAD no frequency). This variant has not been reported in the literature in individuals affected with TMEM173-related conditions. Invitae Evidence Modeling of protein sequence and biophysical properties (such as structural, functional, and spatial information, amino acid conservation, physicochemical variation, residue mobility, and thermodynamic stability) has been performed for this missense variant. However, the output from this modeling did not meet the statistical confidence thresholds required to predict the impact of this variant on TMEM173 protein function. In summary, the available evidence is currently insufficient to determine the role of this variant in disease. Therefore, it has been classified as a Variant of Uncertain Significance.